The following is an entry in ClinVar:

ClinVar aggregate classification (germline): Uncertain significance (1 of 4 stars; one submission).

Conditions:
FG syndrome (FGS). Identifiers: MedGen C0220769, MONDO:0002010.

Submission:

Labcorp Genetics (formerly Invitae), Labcorp
Classification: Uncertain significance for FG syndrome. Last evaluated: 2021-05-05. Review status: criteria provided, single submitter. Criteria: Invitae Variant Classification Sherloc (09022015). Collection method: clinical testing. Allele origin: germline.
Comment: This variant is not present in population databases (ExAC no frequency). This sequence change replaces glycine with glutamic acid at codon 1803 of the MED12 protein (p.Gly1803Glu). The glycine residue is moderately conserved and there is a moderate physicochemical difference between glycine and glutamic acid. This variant has not been reported in the literature in individuals with MED12-related conditions. In summary, the available evidence is currently insufficient to determine the role of this variant in disease. Therefore, it has been classified as a Variant of Uncertain Significance. Advanced modeling of protein sequence and biophysical properties (such as structural, functional, and spatial information, amino acid conservation, physicochemical variation, residue mobility, and thermodynamic stability) performed at Invitae indicates that this missense variant is not expected to disrupt MED12 protein function.

NM_005120.3(MED12):c.5408G>A (p.Gly1803Glu)

Gene: MED12 (mediator complex subunit 12; plus strand). Cytogenetic location: Xq13.1.
Variant type: single nucleotide variant.
Coding change: c.5408G>A on transcript NM_005120.3 (MANE Select); coding-DNA position 5408, G replaced by A.
Protein change: p.Gly1803Glu; replaces glycine 1803 with glutamic acid.
Molecular consequence: missense variant.
Genome position (GRCh38, 1-based): chrX:71,136,886, G>A. VCF-style: chrX-71136886-G-A. GRCh37 (hg19) VCF-style: chrX-70356736-G-A.
Other names: short protein forms G1803E.
Identifiers: ClinVar variation 1460563 (VCV001460563.8), dbSNP rs2147827854, ClinGen allele CA413535397.